The following is an entry in ClinVar:

NM_014365.3(HSPB8):c.422A>T (p.Lys141Met)

Gene: HSPB8 (heat shock protein family B (small) member 8; plus strand). Cytogenetic location: 12q24.23.
Variant type: single nucleotide variant.
Coding change: c.422A>T on transcript NM_014365.3 (MANE Select); coding-DNA position 422, A replaced by T.
Protein change: p.Lys141Met; replaces lysine 141 with methionine.
Molecular consequence: missense variant.
Genome position (GRCh38, 1-based): chr12:119,187,079, A>T. VCF-style: chr12-119187079-A-T. GRCh37 (hg19) VCF-style: chr12-119624884-A-T.
Other names: short protein forms K141M.
Identifiers: ClinVar variation 560412 (VCV000560412.1), dbSNP rs1565929090, ClinGen allele CA386529568.

ClinVar aggregate classification (germline): Pathogenic (1 of 4 stars; one submission).

Conditions:
Charcot-Marie-Tooth disease axonal type 2L. Also called: CHARCOT-MARIE-TOOTH DISEASE, AXONAL, AUTOSOMAL DOMINANT, TYPE 2L; CHARCOT-MARIE-TOOTH NEUROPATHY, AXONAL, TYPE 2L; Charcot-Marie-Tooth Neuropathy Type 2L. Identifiers: Orphanet 99945, MedGen C1837552, MONDO:0012096, OMIM 608673.

Submission:

Biochimie - Maladies Neurologiques Hereditaires, Hospices Civils de Lyon
Classification: Pathogenic for Charcot-Marie-Tooth disease axonal type 2L. Last evaluated: 2017-02-02. Review status: criteria provided, single submitter. Criteria: ACMG Guidelines, 2015. Collection method: clinical testing. Allele origin: inherited. Affected: yes.
Comment: Article ID: HUMU23189